The following is an entry in ClinVar:

NM_001165963.4(SCN1A):c.2423C>G (p.Thr808Ser)

Gene: SCN1A (sodium voltage-gated channel alpha subunit 1; minus strand). Cytogenetic location: 2q24.3.
Variant type: single nucleotide variant.
Coding change: c.2423C>G on transcript NM_001165963.4 (MANE Select); coding-DNA position 2423, C replaced by G.
Protein change: p.Thr808Ser; replaces threonine 808 with serine.
Molecular consequence: missense variant. On other transcripts: 5 prime UTR variant (1), non-coding transcript variant (1).
Genome position (GRCh38, 1-based): chr2:166,039,589, G>C on the plus strand (C>G on the coding strand, the complement: SCN1A is on the minus strand). VCF-style: chr2-166039589-G-C. GRCh37 (hg19) VCF-style: chr2-166896099-G-C.
Other names: c.2339C>G, p.Thr780Ser (NM_001165964.3, NM_001353957.2, NM_001353958.2); c.2423C>G, p.Thr808Ser (NM_001202435.3, NM_001353948.2); c.2390C>G, p.Thr797Ser (NM_001353949.2, NM_001353950.2, NM_001353951.2 and 2 more transcripts); c.2387C>G, p.Thr796Ser (NM_001353954.2, NM_001353955.2); c.2336C>G, p.Thr779Ser (NM_001353960.2); c.-20C>G (NM_001353961.2); short protein forms T779S, T780S, T796S, T797S, T808S.
Identifiers: ClinVar variation 3067165 (VCV003067165.2), dbSNP rs2468115800, ClinGen allele CA349062790.

Conditions:
Severe myoclonic epilepsy in infancy (DRVT). Also called: Epileptic encephalopathy, early infantile, 6 (Dravet syndrome); Dravet syndrome; SEVERE MYOCLONIC EPILEPSY OF INFANCY; DEVELOPMENTAL AND EPILEPTIC ENCEPHALOPATHY 6A; Severe Myoclonic Epilepsy in Infancy (SMEI). Identifiers: Orphanet 33069, MedGen C0751122, MONDO:0100135, OMIM 607208.

Submission:

Channelopathy-Associated Epilepsy Research Center
No classification provided (evidence only). Condition: Severe myoclonic epilepsy in infancy. Review status: no classification provided. Collection method: literature only. Allele origin: not applicable. Functional consequence: Mild increase in peak current, Normal voltage dependence of fast inactivation, Normal slope of fast inactivation, Slowing of recovery from fast inactivation, Normal voltage dependence of activation, Normal slope of activation, Mild slowing of fast inactivation, Normal persistent current, Slowing of entry into slow inactivation, Normal voltage dependence of slow inactivation, Increase in slope of slow inactivation, Slowing of recovery from slow inactivation, Decrease of decay in current amplitude in use dependence, Overall mixed or unclear functional effect with respect to biophysical channel activity.
ClinVar note: "not provided" was previously submitted as the classification for the variant. However, the classification appeared to be based only on an observation of functional data so it was converted to no classification on 2025-07-30.

Literature cited by the submitters: PubMed 16210358.